The following is an entry in ClinVar:

NM_000071.3(CBS):c.1552+154T>C

Gene: CBS (cystathionine beta-synthase; minus strand). Cytogenetic location: 21q22.3.
Variant type: single nucleotide variant.
Coding change: c.1552+154T>C on transcript NM_000071.3 (MANE Select); 154 bases into the intron after coding-DNA position 1552, T replaced by C.
Molecular consequence: intron variant.
Genome position (GRCh38, 1-based): chr21:43,056,649, A>G on the plus strand (T>C on the coding strand, the complement: CBS is on the minus strand). VCF-style: chr21-43056649-A-G. GRCh37 (hg19) VCF-style: chr21-44476759-A-G.
Other names: c.1552+154T>C (NM_001320298.2, NM_001178009.3, NM_001178008.3); c.1237+154T>C (NM_001321072.1).
Identifiers: ClinVar variation 672235 (VCV000672235.5), dbSNP rs234701, ClinGen allele CA321686597.

ClinVar aggregate classification (germline): Benign. Review status: criteria provided, multiple submitters, no conflicts (2 of 4 stars). 3 submissions from 3 submitters: Benign (3). Last evaluated 2021-07-14.

Conditions:
Classic homocystinuria. Also called: Homocystinuria due to Cystathionine Beta-Synthase Deficiency; Homocystinuria due to CBS deficiency; Cystathionine beta-synthase deficiency; CBS deficiency; HOMOCYSTINURIA WITH OR WITHOUT RESPONSE TO PYRIDOXINE. Identifiers: Orphanet 394, MedGen C0751202, MONDO:0009352, OMIM 236200.

Allele frequency attached by ClinVar (database versions not stated): 1000 Genomes Project 0.92113; gnomAD 0.95648.

Submissions (3):

Genome-Nilou Lab
Classification: Benign for Classic homocystinuria. Last evaluated: 2021-07-14. Review status: criteria provided, single submitter. Criteria: ACMG Guidelines, 2015. Collection method: clinical testing. Allele origin: germline. Affected: no.

GeneDx
Classification: Benign. Last evaluated: 2018-06-14. Review status: criteria provided, single submitter. Criteria: GeneDx Variant Classification (06012015). Collection method: clinical testing. Allele origin: germline. Affected: yes.
Comment: This variant is considered likely benign or benign based on one or more of the following criteria: it is a conservative change, it occurs at a poorly conserved position in the protein, it is predicted to be benign by multiple in silico algorithms, and/or has population frequency not consistent with disease.

Breakthrough Genomics
Classification: Benign. Review status: criteria provided, single submitter. Criteria: ACMG Guidelines, 2015. Collection method: not provided. Allele origin: germline. Inheritance: Autosomal recessive inheritance. Affected: yes.